The following is an entry in ClinVar:

ClinVar aggregate classification (germline): Uncertain significance (3 of 4 stars; one submission).

Conditions:
Glanzmann thrombasthenia. Also called: PLATELET GLYCOPROTEIN IIb-IIIa DEFICIENCY; BLEEDING DISORDER, PLATELET-TYPE, 2; THROMBASTHENIA OF GLANZMANN AND NAEGELI; Thrombasthenia; Glanzmann's thrombasthenia. Identifiers: Orphanet 849, MedGen C0040015, MONDO:0100326.

Allele frequency attached by ClinVar (database versions not stated): gnomAD exomes below 0.00001.
gnomAD v4.1: 1 of 1,613,882 alleles (0.000062%); highest among the groups gnomAD compares: South Asian, 0.0011%; no homozygotes.

Submissions (3):

ClinGen Platelet Disorders Variant Curation Expert Panel, ClinGen
Classification: Uncertain significance for Glanzmann thrombasthenia. Last evaluated: 2025-04-15. Review status: reviewed by expert panel. Criteria: ClinGen Platelet ACMG Specifications v2-1. Collection method: curation. Allele origin: germline. Inheritance: Autosomal recessive inheritance.
Comment: The NM_000419.5(ITGA2B):c.3061-6C>G intronic variant is predicted by varSEAK (class 5) to cause loss of the canonical splice acceptor site. In PMID: 11798398, the authors found that study of platelet mRNA showed the addition of six bases between exons 29 and 30, resulting in an insertion of two amino acids (Lys989_Val990insProGln; PM4). GT type I patient TG (PMID: 11798398) is homozygous for this variant (PM3_supporting). The highest population minor allele frequency in gnomAD v4.1 is 0.00001098 (1/91074 alleles) in the South Asian genetic ancestry group, which is lower than the ClinGen PD VCEP threshold (<0.0001; PM2_Supporting). In summary, this variant meets the criteria to be classified as uncertain significance for autosomal recessive Glanzmann Thrombasthenia based on the ACMG/AMP criteria applied, as specified by the ClinGen PD VCEP: PM4, PM2_supporting, PM3_supporting.

Dr. Peter K. Rogan Lab, Western University
No classification provided (evidence only). Condition: Ovarian serous cystadenocarcinoma. Review status: no classification provided. Collection method: in vitro. Allele origin: not applicable. Functional consequence: retained intron. Not counted in ClinVar's aggregate classification.

Dr. Peter K. Rogan Lab, Western University
No classification provided (evidence only). Condition: Ovarian serous cystadenocarcinoma. Review status: no classification provided. Collection method: in vitro. Allele origin: not applicable. Functional consequence: retained intron. Not counted in ClinVar's aggregate classification.

NM_000419.5(ITGA2B):c.3061-6C>G

Gene: ITGA2B (integrin subunit alpha 2b; minus strand). Cytogenetic location: 17q21.31.
Variant type: single nucleotide variant.
Coding change: c.3061-6C>G on transcript NM_000419.5 (MANE Select); 6 bases into the intron before coding-DNA position 3061, C replaced by G.
Molecular consequence: intron variant.
Genome position (GRCh38, 1-based): chr17:44,372,429, G>C on the plus strand (C>G on the coding strand, the complement: ITGA2B is on the minus strand). VCF-style: chr17-44372429-G-C. GRCh37 (hg19) VCF-style: chr17-42449797-G-C.
Other names: NM_000419.5:c.3061-6C>G; NC_000017.10:g.42449797G>C.
Identifiers: ClinVar variation 1879020 (VCV001879020.3), dbSNP rs1488526922, ClinGen allele CA915940801.